The following is an entry in ClinVar:

NM_003482.4(KMT2D):c.6851C>T (p.Ala2284Val)

Gene: KMT2D (lysine methyltransferase 2D; minus strand). Cytogenetic location: 12q13.12.
Variant type: single nucleotide variant.
Coding change: c.6851C>T on transcript NM_003482.4 (MANE Select); coding-DNA position 6851, C replaced by T.
Protein change: p.Ala2284Val; replaces alanine 2284 with valine.
Molecular consequence: missense variant.
Genome position (GRCh38, 1-based): chr12:49,040,919, G>A on the plus strand (C>T on the coding strand, the complement: KMT2D is on the minus strand). VCF-style: chr12-49040919-G-A. GRCh37 (hg19) VCF-style: chr12-49434702-G-A.
Other names: short protein forms A2284V.
Identifiers: ClinVar variation 3635141 (VCV003635141.2).

ClinVar aggregate classification (germline): Uncertain significance (1 of 4 stars; one submission).

Conditions:
Kabuki syndrome. Also called: NIIKAWA-KUROKI SYNDROME; Kabuki make-up syndrome. Identifiers: Orphanet 2322, MedGen C0796004, MONDO:0016512.

Submission:

Labcorp Genetics (formerly Invitae), Labcorp
Classification: Uncertain significance for Kabuki syndrome. Last evaluated: 2024-07-16. Review status: criteria provided, single submitter. Criteria: Invitae Variant Classification Sherloc (09022015). Collection method: clinical testing. Allele origin: germline.
Comment: This sequence change replaces alanine, which is neutral and non-polar, with valine, which is neutral and non-polar, at codon 2284 of the KMT2D protein (p.Ala2284Val). This variant is not present in population databases (gnomAD no frequency). This variant has not been reported in the literature in individuals affected with KMT2D-related conditions. Advanced modeling of protein sequence and biophysical properties (such as structural, functional, and spatial information, amino acid conservation, physicochemical variation, residue mobility, and thermodynamic stability) performed at Invitae indicates that this missense variant is not expected to disrupt KMT2D protein function with a negative predictive value of 95%. In summary, the available evidence is currently insufficient to determine the role of this variant in disease. Therefore, it has been classified as a Variant of Uncertain Significance.